The following is an entry in ClinVar:

NM_016341.4(PLCE1):c.4918-3C>T

Genes: PLCE1 (phospholipase C epsilon 1; plus strand), PLCE1-AS1 (PLCE1 antisense RNA 1; minus strand). Cytogenetic location: 10q23.33.
Variant type: single nucleotide variant.
Coding change: c.4918-3C>T on transcript NM_016341.4 (MANE Select); 3 bases into the intron before coding-DNA position 4918, C replaced by T.
Molecular consequence: intron variant.
Genome position (GRCh38, 1-based): chr10:94,284,845, C>T. VCF-style: chr10-94284845-C-T. GRCh37 (hg19) VCF-style: chr10-96044602-C-T.
Other names: c.4870-3C>T (NM_001288989.2); c.3994-3C>T (NM_001165979.2).
Identifiers: ClinVar variation 1523376 (VCV001523376.6), dbSNP rs367867424, ClinGen allele CA5613255.

ClinVar aggregate classification (germline): Conflicting classifications of pathogenicity. Review status: criteria provided, conflicting classifications (1 of 4 stars). 4 submissions from 4 submitters: Uncertain significance (3); Likely benign (1). Last evaluated 2024-10-07.

Conditions:
Nephrotic syndrome, type 3 (NPHS3). Also called: NEPHROTIC SYNDROME, EARLY-ONSET, TYPE 3. Identifiers: Orphanet 656, MedGen C1853124, MONDO:0012546, OMIM 610725.

Allele frequency attached by ClinVar (database versions not stated): TOPMed 0.00005; gnomAD 0.00006 and 0.00007; ExAC 0.00007; gnomAD exomes 0.00008; ESP Exome Variant Server 0.00017.
gnomAD v4.1: 130 of 1,497,160 alleles (0.0087%); highest among the groups gnomAD compares: Middle Eastern, 0.53%; 1 homozygote.

Submissions (4):

Blueprint Genetics
Classification: Likely benign. Last evaluated: 2024-10-07. Review status: criteria provided, single submitter. Criteria: ACMG Guidelines, 2015. Collection method: clinical testing. Allele origin: germline.

Fulgent Genetics
Classification: Uncertain significance for Nephrotic syndrome, type 3. Last evaluated: 2024-04-30. Review status: criteria provided, single submitter. Criteria: ACMG Guidelines, 2015. Collection method: clinical testing. Allele origin: germline.

Department of Pathology and Laboratory Medicine, Sinai Health System
Classification: Uncertain significance for nephrotic syndrome, type 3. Last evaluated: 2023-01-23. Review status: criteria provided, single submitter. Criteria: ACMG Guidelines, 2015. Collection method: research. Allele origin: germline.

Labcorp Genetics (formerly Invitae), Labcorp
Classification: Uncertain significance. Last evaluated: 2022-07-06. Review status: criteria provided, single submitter. Criteria: Invitae Variant Classification Sherloc (09022015). Collection method: clinical testing. Allele origin: germline.
Comment: This sequence change falls in intron 21 of the PLCE1 gene. It does not directly change the encoded amino acid sequence of the PLCE1 protein. It affects a nucleotide within the consensus splice site. This variant is present in population databases (rs367867424, gnomAD 0.01%). This variant has not been reported in the literature in individuals affected with PLCE1-related conditions. ClinVar contains an entry for this variant (Variation ID: 1523376). Variants that disrupt the consensus splice site are a relatively common cause of aberrant splicing (PMID: 17576681, 9536098). Algorithms developed to predict the effect of sequence changes on RNA splicing suggest that this variant is not likely to affect RNA splicing. In summary, the available evidence is currently insufficient to determine the role of this variant in disease. Therefore, it has been classified as a Variant of Uncertain Significance.

Literature cited by the submitters: PubMed 17576681 (cited by Labcorp Genetics (formerly Invitae), Labcorp); PubMed 9536098 (cited by Labcorp Genetics (formerly Invitae), Labcorp).